The following is an entry in ClinVar:

ClinVar aggregate classification (germline): Uncertain significance (1 of 4 stars; one submission).

Conditions:
Cardiovascular phenotype. Identifiers: MedGen CN230736.

Submission:

Ambry Genetics
Classification: Uncertain significance for Cardiovascular phenotype. Last evaluated: 2019-04-04. Review status: criteria provided, single submitter. Criteria: Ambry Variant Classification Scheme 2023. Collection method: clinical testing. Allele origin: germline.
Comment: The p.H398P variant (also known as c.1193A>C), located in coding exon 14 of the RYR2 gene, results from an A to C substitution at nucleotide position 1193. The histidine at codon 398 is replaced by proline, an amino acid with similar properties. This amino acid position is highly conserved in available vertebrate species. In addition, this alteration is predicted to be deleterious by in silico analysis. Since supporting evidence is limited at this time, the clinical significance of this alteration remains unclear.

NM_001035.3(RYR2):c.1193A>C (p.His398Pro)

Gene: RYR2 (ryanodine receptor 2; plus strand). Cytogenetic location: 1q43.
Variant type: single nucleotide variant.
Coding change: c.1193A>C on transcript NM_001035.3 (MANE Select); coding-DNA position 1193, A replaced by C.
Protein change: p.His398Pro; replaces histidine 398 with proline.
Molecular consequence: missense variant.
Genome position (GRCh38, 1-based): chr1:237,445,423, A>C. VCF-style: chr1-237445423-A-C. GRCh37 (hg19) VCF-style: chr1-237608723-A-C.
Other names: short protein forms H398P.
Identifiers: ClinVar variation 1745391 (VCV001745391.2), dbSNP rs1708242965, ClinGen allele CA345377456.